The following is an entry in ClinVar:

NM_005797.4(MPZL2):c.415C>T (p.Arg139Trp)

Gene: MPZL2 (myelin protein zero like 2; minus strand). Cytogenetic location: 11q23.3.
Variant type: single nucleotide variant.
Coding change: c.415C>T on transcript NM_005797.4 (MANE Select); coding-DNA position 415, C replaced by T.
Protein change: p.Arg139Trp; replaces arginine 139 with tryptophan.
Molecular consequence: missense variant.
Genome position (GRCh38, 1-based): chr11:118,262,459, G>A on the plus strand (C>T on the coding strand, the complement: MPZL2 is on the minus strand). VCF-style: chr11-118262459-G-A. GRCh37 (hg19) VCF-style: chr11-118133174-G-A.
Other names: c.415C>T (NM_005797.3); c.415C>T, p.Arg139Trp (NM_144765.3); short protein forms R139W.
Identifiers: ClinVar variation 4914194 (VCV004914194.2).

ClinVar aggregate classification (germline): Uncertain significance. Review status: criteria provided, multiple submitters, no conflicts (2 of 4 stars). 2 submissions from 2 submitters: Uncertain significance (2). Last evaluated 2024-11-11.

Conditions:
MPZL2-related disorder. Also called: MPZL2-related condition.

Submissions (2):

PreventionGenetics, part of Exact Sciences
Classification: Uncertain significance for MPZL2-related condition. Last evaluated: 2024-11-11. Review status: criteria provided, single submitter. Criteria: ACMG Guidelines, 2015. Collection method: clinical testing. Allele origin: germline.
Comment: The MPZL2 c.415C>T variant is predicted to result in the amino acid substitution p.Arg139Trp. To our knowledge, this variant has not been reported in the literature. This variant is reported in 0.025% of alleles in individuals of East Asian descent in gnomAD. At this time, the clinical significance of this variant is uncertain due to the absence of conclusive functional and genetic evidence.

Blueprint Genetics
Classification: Uncertain significance. Last evaluated: 2024-09-03. Review status: criteria provided, single submitter. Criteria: ACMG Guidelines, 2015. Collection method: clinical testing. Allele origin: germline.